The following is an entry in ClinVar:

ClinVar aggregate classification (germline): Likely benign. Review status: criteria provided, multiple submitters, no conflicts (2 of 4 stars). 2 submissions from 2 submitters: Likely benign (2). Last evaluated 2024-05-16.

Allele frequency attached by ClinVar (database versions not stated): ExAC 0.00017; 1000 Genomes Project 30x 0.00031; 1000 Genomes Project 0.00040; TOPMed 0.00046; gnomAD 0.00047; ESP Exome Variant Server 0.00062.

Submissions (2):

Labcorp Genetics (formerly Invitae), Labcorp
Classification: Likely benign. Last evaluated: 2024-05-16. Review status: criteria provided, single submitter. Criteria: Invitae Variant Classification Sherloc (09022015). Collection method: clinical testing. Allele origin: germline.

CeGaT Center for Human Genetics Tuebingen
Classification: Likely benign. Last evaluated: 2022-09-01. Review status: criteria provided, single submitter. Criteria: CeGaT Center For Human Genetics Tuebingen Variant Classification Criteria Version 2. Collection method: clinical testing. Allele origin: germline. Affected: yes. Observed: 1 variant allele.
Comment: CYC1: BP4, BP7

NM_001916.5(CYC1):c.486G>C (p.Gly162=)

Gene: CYC1 (cytochrome c1; plus strand). Cytogenetic location: 8q24.3.
Variant type: single nucleotide variant.
Coding change: c.486G>C on transcript NM_001916.5 (MANE Select); coding-DNA position 486, G replaced by C.
Protein change: p.Gly162=; no amino-acid change (glycine 162 retained).
Molecular consequence: synonymous variant.
Genome position (GRCh38, 1-based): chr8:144,096,369, G>C. VCF-style: chr8-144096369-G-C. GRCh37 (hg19) VCF-style: chr8-145151272-G-C.
Identifiers: ClinVar variation 2658968 (VCV002658968.26), dbSNP rs147748161, ClinGen allele CA4933408.